The following is an entry in ClinVar:

ClinVar aggregate classification (germline): Uncertain significance (1 of 4 stars; one submission).

Conditions:
Hypertrophic cardiomyopathy. Also called: HYPERTROPHIC MYOCARDIOPATHY. Identifiers: Orphanet 217569, MedGen C0007194, MeSH D002312, MONDO:0005045, HP:0001639.

Submission:

Labcorp Genetics (formerly Invitae), Labcorp
Classification: Uncertain significance for Hypertrophic cardiomyopathy. Last evaluated: 2021-08-28. Review status: criteria provided, single submitter. Criteria: Invitae Variant Classification Sherloc (09022015). Collection method: clinical testing. Allele origin: germline.
Comment: This sequence change replaces serine with arginine at codon 1147 of the MYH7 protein (p.Ser1147Arg). The serine residue is highly conserved and there is a moderate physicochemical difference between serine and arginine. This variant is not present in population databases (ExAC no frequency). This variant has not been reported in the literature in individuals affected with MYH7-related conditions. Algorithms developed to predict the effect of missense changes on protein structure and function are either unavailable or do not agree on the potential impact of this missense change (SIFT: "Deleterious"; PolyPhen-2: "Probably Damaging"; Align-GVGD: "Class C0"). In summary, the available evidence is currently insufficient to determine the role of this variant in disease. Therefore, it has been classified as a Variant of Uncertain Significance.

NM_000257.4(MYH7):c.3439A>C (p.Ser1147Arg)

Gene: MYH7 (myosin heavy chain 7; minus strand). Cytogenetic location: 14q11.2.
Variant type: single nucleotide variant.
Coding change: c.3439A>C on transcript NM_000257.4 (MANE Select); coding-DNA position 3439, A replaced by C.
Protein change: p.Ser1147Arg; replaces serine 1147 with arginine.
Molecular consequence: missense variant.
Genome position (GRCh38, 1-based): chr14:23,420,132, T>G on the plus strand (A>C on the coding strand, the complement: MYH7 is on the minus strand). VCF-style: chr14-23420132-T-G. GRCh37 (hg19) VCF-style: chr14-23889341-T-G.
Other names: short protein forms S1147R.
Identifiers: ClinVar variation 647400 (VCV000647400.6), dbSNP rs1595078448, ClinGen allele CA389043883.